The following is an entry in ClinVar:

ClinVar aggregate classification (germline): Pathogenic (1 of 4 stars; one submission).

Conditions:
Jeune thoracic dystrophy. Also called: Jeune syndrome; Infantile thoracic dystrophy; Thoracic pelvic phalangeal dystrophy; Jeune's syndrome; Chondroectodermal dysplasia-like syndrome; Short-rib thoracic dysplasia. Identifiers: Orphanet 474, MedGen C0265275, MONDO:0018770.

Submission:

Labcorp Genetics (formerly Invitae), Labcorp
Classification: Pathogenic for Jeune thoracic dystrophy. Last evaluated: 2021-04-24. Review status: criteria provided, single submitter. Criteria: Invitae Variant Classification Sherloc (09022015). Collection method: clinical testing. Allele origin: germline.
Comment: This sequence change creates a premature translational stop signal (p.Ile463Thrfs*31) in the IFT80 gene. It is expected to result in an absent or disrupted protein product. Loss-of-function variants in IFT80 are known to be pathogenic (PMID: 21227999, 23339108, 29068549). For these reasons, this variant has been classified as Pathogenic. This variant has not been reported in the literature in individuals with IFT80-related conditions. This variant is not present in population databases (ExAC no frequency).

Literature cited by the submitters: PubMed 21227999; PubMed 23339108; PubMed 29068549.

NM_020800.3(IFT80):c.1388del (p.Ile463fs)

Genes: IFT80 (intraflagellar transport 80; minus strand), TRIM59-IFT80 (TRIM59-IFT80 readthrough (NMD candidate); minus strand). Cytogenetic location: 3q25.33.
Variant type: Deletion.
Coding change: c.1388del on transcript NM_020800.3 (MANE Select); coding-DNA position 1388, one base deleted (T; older notation c.1388delT).
Protein change: p.Ile463fs; shifts the reading frame from isoleucine 463.
Molecular consequence: frameshift variant. On other transcripts: non-coding transcript variant (3).
Genome position (GRCh38, 1-based): chr3:160,282,606, A deleted on the plus strand (T on the coding strand, the reverse complement: IFT80 is on the minus strand). VCF-style (leftmost placement, unchanged base first): chr3-160282605-GA-G. GRCh37 (hg19) VCF-style: chr3-160000393-GA-G.
Other names: c.977del, p.Ile326fs (NM_001190241.2, NM_001190242.2); short protein forms I326fs, I463fs.
Identifiers: ClinVar variation 1451633 (VCV001451633.6), dbSNP rs2108234807, ClinGen allele CA2573136699.
Genomic context (GRCh38, chr3:160,282,605, plus strand): 5'-ATCAATGAAAGCAATTTTTCTATCATTGGTAAGTCCTTTTTGATCCAGAGCAATTTCCAA[GA>G]TTTCATTCTAAAATTTTTTTTAAATGTAAATACTGGGTTAGTTTTAGTGTTTGACATAAG-3'